The following is an entry in ClinVar:

ClinVar aggregate classification (germline): Uncertain significance. Review status: criteria provided, multiple submitters, no conflicts (2 of 4 stars). 2 submissions from 2 submitters: Uncertain significance (2). Last evaluated 2022-03-22.

Conditions:
ALG6-congenital disorder of glycosylation 1C (CDG1C). Also called: CDG Ic; CARBOHYDRATE-DEFICIENT GLYCOPROTEIN SYNDROME, TYPE I, WITH DEFICIENT GLYCOSYLATION OF DOLICHOL-LINKED OLIGOSACCHARIDE; CARBOHYDRATE-DEFICIENT GLYCOPROTEIN SYNDROME, TYPE V; Congenital disorder of glycosylation type 1C; Congenital disorder of glycosylation, type Ic. Identifiers: Orphanet 79320, MedGen C2930997, MONDO:0011291, OMIM 603147.

Allele frequency attached by ClinVar (database versions not stated): TOPMed 0.00001.

Submissions (2):

Labcorp Genetics (formerly Invitae), Labcorp
Classification: Uncertain significance for ALG6-congenital disorder of glycosylation 1C. Last evaluated: 2022-03-22. Review status: criteria provided, single submitter. Criteria: Invitae Variant Classification Sherloc (09022015). Collection method: clinical testing. Allele origin: germline.
Comment: This sequence change replaces leucine, which is neutral and non-polar, with phenylalanine, which is neutral and non-polar, at codon 130 of the ALG6 protein (p.Leu130Phe). This variant is not present in population databases (gnomAD no frequency). This variant has not been reported in the literature in individuals affected with ALG6-related conditions. Algorithms developed to predict the effect of missense changes on protein structure and function (SIFT, PolyPhen-2, Align-GVGD) all suggest that this variant is likely to be tolerated. In summary, the available evidence is currently insufficient to determine the role of this variant in disease. Therefore, it has been classified as a Variant of Uncertain Significance.

Genetic Services Laboratory, University of Chicago
Classification: Uncertain significance. Last evaluated: 2018-04-11. Review status: criteria provided, single submitter. Criteria: ACMG Guidelines, 2015. Collection method: clinical testing. Allele origin: germline. Affected: no.

NM_013339.4(ALG6):c.390G>T (p.Leu130Phe)

Gene: ALG6 (ALG6 alpha-1,3-glucosyltransferase; plus strand). Cytogenetic location: 1p31.3.
Variant type: single nucleotide variant.
Coding change: c.390G>T on transcript NM_013339.4 (MANE Select); coding-DNA position 390, G replaced by T.
Protein change: p.Leu130Phe; replaces leucine 130 with phenylalanine.
Molecular consequence: missense variant.
Genome position (GRCh38, 1-based): chr1:63,406,360, G>T. VCF-style: chr1-63406360-G-T. GRCh37 (hg19) VCF-style: chr1-63872031-G-T.
Other names: short protein forms L130F.
Identifiers: ClinVar variation 1336636 (VCV001336636.6), dbSNP rs961740482, ClinGen allele CA23804589.